The following is an entry in ClinVar:

ClinVar aggregate classification (germline): Likely benign. Review status: criteria provided, multiple submitters, no conflicts (2 of 4 stars). 4 submissions from 4 submitters: Likely benign (4). Last evaluated 2026-01-04.

Conditions:
Microcephaly-intellectual disability-sensorineural hearing loss-epilepsy-abnormal muscle tone syndrome (NEDHSB). Also called: NEURODEVELOPMENTAL DISORDER WITH HEARING LOSS, SEIZURES, AND BRAIN ABNORMALITIES. Identifiers: Orphanet 457351, MedGen C4225276, MONDO:0014698, OMIM 616577.

Allele frequency attached by ClinVar (database versions not stated): ExAC 0.00003; gnomAD exomes 0.00003 and 0.00004; TOPMed 0.00008; gnomAD 0.00009.
gnomAD v4.1: 63 of 1,613,624 alleles (0.0039%); highest among the groups gnomAD compares: Middle Eastern, 0.066%; no homozygotes.

Submissions (4):

Labcorp Genetics (formerly Invitae), Labcorp
Classification: Likely benign for Microcephaly-intellectual disability-sensorineural hearing loss-epilepsy-abnormal muscle tone syndrome. Last evaluated: 2026-01-04. Review status: criteria provided, single submitter. Criteria: Invitae Variant Classification Sherloc (09022015). Collection method: clinical testing. Allele origin: germline.

Blueprint Genetics
Classification: Likely benign. Last evaluated: 2024-07-02. Review status: criteria provided, single submitter. Criteria: ACMG Guidelines, 2015. Collection method: clinical testing. Allele origin: germline.

CeGaT Center for Human Genetics Tuebingen
Classification: Likely benign. Last evaluated: 2023-08-01. Review status: criteria provided, single submitter. Criteria: CeGaT Center For Human Genetics Tuebingen Variant Classification Criteria Version 2. Collection method: clinical testing. Allele origin: germline. Affected: yes. Observed: 1 variant allele.
Comment: AFG2A: BP4, BP7

GeneDx
Classification: Likely benign. Last evaluated: 2021-09-08. Review status: criteria provided, single submitter. Criteria: GeneDx Variant Classification Process June 2021. Collection method: clinical testing. Allele origin: germline. Affected: yes.

NM_145207.3(AFG2A):c.2202T>C (p.Val734=)

Gene: AFG2A (AAA ATPase AFG2A; plus strand). Cytogenetic location: 4q28.1.
Variant type: single nucleotide variant.
Coding change: c.2202T>C on transcript NM_145207.3 (MANE Select); coding-DNA position 2202, T replaced by C.
Protein change: p.Val734=; no amino-acid change (valine 734 retained).
Molecular consequence: synonymous variant.
Genome position (GRCh38, 1-based): chr4:123,057,277, T>C. VCF-style: chr4-123057277-T-C. GRCh37 (hg19) VCF-style: chr4-123978432-T-C.
Other names: c.2199T>C, p.Val733= (NM_001345856.2).
Identifiers: ClinVar variation 759838 (VCV000759838.34), dbSNP rs373009847, ClinGen allele CA3070666.